The following is an entry in ClinVar:

NM_004415.4(DSP):c.4279G>A (p.Glu1427Lys)

Gene: DSP (desmoplakin; plus strand). Cytogenetic location: 6p24.3.
Variant type: single nucleotide variant.
Coding change: c.4279G>A on transcript NM_004415.4 (MANE Select); coding-DNA position 4279, G replaced by A.
Protein change: p.Glu1427Lys; replaces glutamic acid 1427 with lysine.
Molecular consequence: missense variant. On other transcripts: intron variant (2).
Genome position (GRCh38, 1-based): chr6:7,580,469, G>A. VCF-style: chr6-7580469-G-A. GRCh37 (hg19) VCF-style: chr6-7580702-G-A.
Other names: c.4050+229G>A (NM_001319034.2); c.3582+697G>A (NM_001008844.3); short protein forms E1427K.
Identifiers: ClinVar variation 3753520 (VCV003753520.2).

ClinVar aggregate classification (germline): Uncertain significance (1 of 4 stars; one submission).

Conditions:
Arrhythmogenic cardiomyopathy with wooly hair and keratoderma. Also called: Dilated cardiomyopathy with woolly hair and keratoderma; PALMOPLANTAR KERATODERMA WITH LEFT VENTRICULAR CARDIOMYOPATHY AND WOOLLY HAIR; Carvajal syndrome; Arrhythmogenic cardiomyopathy with woolly hair and keratoderma. Identifiers: Orphanet 65282, MedGen C1854063, MONDO:0011581, OMIM 605676.
Arrhythmogenic right ventricular dysplasia 8 (ARVD8). Also called: Arrhythmogenic Right Ventricular Dysplasia/Cardiomyopathy 8; ARRHYTHMOGENIC RIGHT VENTRICULAR DYSPLASIA, FAMILIAL, 8; ARRHYTHMOGENIC RIGHT VENTRICULAR CARDIOMYOPATHY 8. Identifiers: MedGen C1843896, MONDO:0011831, OMIM 607450.

Submission:

Labcorp Genetics (formerly Invitae), Labcorp
Classification: Uncertain significance for Arrhythmogenic cardiomyopathy with wooly hair and keratoderma; Arrhythmogenic right ventricular dysplasia 8. Last evaluated: 2024-10-10. Review status: criteria provided, single submitter. Criteria: Invitae Variant Classification Sherloc (09022015). Collection method: clinical testing. Allele origin: germline.
Comment: This sequence change replaces glutamic acid, which is acidic and polar, with lysine, which is basic and polar, at codon 1427 of the DSP protein (p.Glu1427Lys). This variant is not present in population databases (gnomAD no frequency). This variant has not been reported in the literature in individuals affected with DSP-related conditions. An algorithm developed to predict the effect of missense changes on protein structure and function (PolyPhen-2) suggests that this variant is likely to be disruptive. In summary, the available evidence is currently insufficient to determine the role of this variant in disease. Therefore, it has been classified as a Variant of Uncertain Significance.